The following is an entry in ClinVar:

NM_144596.4(TTC8):c.410A>G (p.Gln137Arg)

Gene: TTC8 (tetratricopeptide repeat domain 8; plus strand). Cytogenetic location: 14q31.3.
Variant type: single nucleotide variant.
Coding change: c.410A>G on transcript NM_144596.4 (MANE Select); coding-DNA position 410, A replaced by G.
Protein change: p.Gln137Arg; replaces glutamine 137 with arginine.
Molecular consequence: missense variant. On other transcripts: 5 prime UTR variant (2), non-coding transcript variant (1).
Genome position (GRCh38, 1-based): chr14:88,841,117, A>G. VCF-style: chr14-88841117-A-G. GRCh37 (hg19) VCF-style: chr14-89307461-A-G.
Other names: c.380A>G, p.Gln127Arg (NM_001288781.1, NM_001366535.2, NM_001366536.2 and 2 more transcripts); c.-183A>G (NM_001288782.1); c.-278A>G (NM_001288783.1); short protein forms Q127R, Q137R.
Identifiers: ClinVar variation 1027127 (VCV001027127.8), dbSNP rs1337021580, ClinGen allele CA390574554.

ClinVar aggregate classification (germline): Uncertain significance (1 of 4 stars; one submission).

Conditions:
Bardet-Biedl syndrome (BBS). Identifiers: Orphanet 110, MedGen C0752166, MONDO:0015229.

Submission:

Labcorp Genetics (formerly Invitae), Labcorp
Classification: Uncertain significance for Bardet-Biedl syndrome. Last evaluated: 2020-08-16. Review status: criteria provided, single submitter. Criteria: Invitae Variant Classification Sherloc (09022015). Collection method: clinical testing. Allele origin: germline.
Comment: In summary, the available evidence is currently insufficient to determine the role of this variant in disease. Therefore, it has been classified as a Variant of Uncertain Significance. Algorithms developed to predict the effect of missense changes on protein structure and function are either unavailable or do not agree on the potential impact of this missense change (SIFT: "Deleterious"; PolyPhen-2: "Benign"; Align-GVGD: "Class C0"). This variant has not been reported in the literature in individuals with TTC8-related conditions. This variant is not present in population databases (ExAC no frequency). This sequence change replaces glutamine with arginine at codon 127 of the TTC8 protein (p.Gln127Arg). The glutamine residue is highly conserved and there is a small physicochemical difference between glutamine and arginine.